The following is an entry in ClinVar:

NM_004807.3(HS6ST1):c.219C>T (p.Arg73=)

Gene: HS6ST1 (heparan sulfate 6-O-sulfotransferase 1; minus strand). Cytogenetic location: 2q14.3.
Variant type: single nucleotide variant.
Coding change: c.219C>T on transcript NM_004807.3 (MANE Select); coding-DNA position 219, C replaced by T.
Protein change: p.Arg73=; no amino-acid change (arginine 73 retained).
Molecular consequence: synonymous variant.
Genome position (GRCh38, 1-based): chr2:128,318,345, G>A on the plus strand (C>T on the coding strand, the complement: HS6ST1 is on the minus strand). VCF-style: chr2-128318345-G-A. GRCh37 (hg19) VCF-style: chr2-129075919-G-A.
Identifiers: ClinVar variation 3038535 (VCV003038535.3), dbSNP rs61732019, ClinGen allele CA1867656.

ClinVar aggregate classification (germline): Benign. Review status: criteria provided, single submitter (1 of 4 stars). 2 submissions from 2 submitters: Benign (1). 1 of the submissions does not count toward it. Last evaluated 2025-11-04.

Conditions:
HS6ST1-related disorder. Also called: HS6ST1-related condition.

Allele frequency attached by ClinVar (database versions not stated): gnomAD 0.00014; ExAC 0.04553.

Submissions (2):

Labcorp Genetics (formerly Invitae), Labcorp
Classification: Benign. Last evaluated: 2025-11-04. Review status: criteria provided, single submitter. Criteria: Invitae Variant Classification Sherloc (09022015). Collection method: clinical testing. Allele origin: germline.

PreventionGenetics, part of Exact Sciences
Classification: Benign for HS6ST1-related condition. Last evaluated: 2019-06-25. Review status: no assertion criteria provided. Collection method: clinical testing. Allele origin: germline. Not counted in ClinVar's aggregate classification.
Comment: This variant is classified as benign based on ACMG/AMP sequence variant interpretation guidelines (Richards et al. 2015 PMID: 25741868, with internal and published modifications).